The following is an entry in ClinVar:

NM_006421.5(ARFGEF1):c.3203A>T (p.Tyr1068Phe)

Gene: ARFGEF1 (ARF guanine nucleotide exchange factor 1; minus strand). Cytogenetic location: 8q13.2.
Variant type: single nucleotide variant.
Coding change: c.3203A>T on transcript NM_006421.5 (MANE Select); coding-DNA position 3203, A replaced by T.
Protein change: p.Tyr1068Phe; replaces tyrosine 1068 with phenylalanine.
Molecular consequence: missense variant. On other transcripts: non-coding transcript variant (1).
Genome position (GRCh38, 1-based): chr8:67,238,429, T>A on the plus strand (A>T on the coding strand, the complement: ARFGEF1 is on the minus strand). VCF-style: chr8-67238429-T-A. GRCh37 (hg19) VCF-style: chr8-68150664-T-A.
Other names: c.3203A>T, p.Tyr1068Phe (NM_001413184.1, NM_001413185.1, NM_001413186.1 and 6 more transcripts); c.2603A>T, p.Tyr868Phe (NM_001413188.1, NM_001413193.1, NM_001413197.1); c.3197A>T, p.Tyr1066Phe (NM_001413190.1); c.1778A>T, p.Tyr593Phe (NM_001413196.1); short protein forms Y1066F, Y1068F, Y593F, Y868F.
Identifiers: ClinVar variation 4874815 (VCV004874815.2).
Genomic context (GRCh38, chr8:67,238,429, plus strand): 5'-GGAGCCTGATCTTTTGTTCCAGTAAGAGATCCTTCTCTGCCTCGCACTGTTCCAGAAATG[T>A]ATCGAGGTTTCACTCCAGTTCCTATAAGCTGTGCCAGCTCCAACTGACTGATGCACTTCA-3'
Protein context (NP_006412.2, residues 1058-1078): QLIGTGVKPR[Tyr1068Phe]ISGTVRGREG

ClinVar aggregate classification (germline): Uncertain significance (1 of 4 stars; one submission).

Submission:

CeGaT Center for Human Genetics Tuebingen
Classification: Uncertain significance. Last evaluated: 2026-04-01. Review status: criteria provided, single submitter. Criteria: CeGaT Center For Human Genetics Tuebingen Variant Classification Criteria Version 2. Collection method: clinical testing. Allele origin: germline. Affected: yes. Observed: 1 variant allele.
Comment: ARFGEF1: PM2, PP2